The following is an entry in ClinVar:

NM_006254.4(PRKCD):c.1893T>G (p.Ser631Arg)

Genes: PRKCD (protein kinase C delta; plus strand), LOC129936899 (ATAC-STARR-seq lymphoblastoid active region 19967; plus strand). Cytogenetic location: 3p21.1.
Variant type: single nucleotide variant.
Coding change: c.1893T>G on transcript NM_006254.4 (MANE Select); coding-DNA position 1893, T replaced by G.
Protein change: p.Ser631Arg; replaces serine 631 with arginine.
Molecular consequence: missense variant.
Genome position (GRCh38, 1-based): chr3:53,192,128, T>G. VCF-style: chr3-53192128-T-G. GRCh37 (hg19) VCF-style: chr3-53226144-T-G.
Other names: c.1893T>G, p.Ser631Arg (NM_001316327.2, NM_001354679.2, NM_001354680.2 and 1 more transcripts); c.1950T>G, p.Ser650Arg (NM_001354676.2); c.1941T>G, p.Ser647Arg (NM_001354678.2); short protein forms S647R, S631R, S650R.
Identifiers: ClinVar variation 2005368 (VCV002005368.4), dbSNP rs2471112188, ClinGen allele CA353225306.
Genomic context (GRCh38, chr3:53,192,128, plus strand): 5'-CCCTAGGTCCTGTTCGCTCACCCCTGCCCTCTGCTTGTAGAAGTCACCCAGAGACTACAG[T>G]AACTTTGACCAGGAGTTCCTGAACGAGAAGGCGCGCCTCTCCTACAGCGACAAGAACCTC-3'
Protein context (NP_006245.2, residues 621-641): RPKVKSPRDY[Ser631Arg]NFDQEFLNEK

ClinVar aggregate classification (germline): Uncertain significance (1 of 4 stars; one submission).

Conditions:
Autoimmune lymphoproliferative syndrome, type III caused by mutation in PRKCD. Identifiers: Orphanet 3261, Orphanet 664711, MedGen C3809928, MONDO:8000024, OMIM 615559.

Submission:

Labcorp Genetics (formerly Invitae), Labcorp
Classification: Uncertain significance for Autoimmune lymphoproliferative syndrome, type III caused by mutation in PRKCD. Last evaluated: 2023-02-22. Review status: criteria provided, single submitter. Criteria: Invitae Variant Classification Sherloc (09022015). Collection method: clinical testing. Allele origin: germline.
Comment: In summary, the available evidence is currently insufficient to determine the role of this variant in disease. Therefore, it has been classified as a Variant of Uncertain Significance. An algorithm developed to predict the effect of missense changes on protein structure and function (PolyPhen-2) suggests that this variant is likely to be disruptive. This variant has not been reported in the literature in individuals affected with PRKCD-related conditions. This variant is not present in population databases (gnomAD no frequency). This sequence change replaces serine, which is neutral and polar, with arginine, which is basic and polar, at codon 631 of the PRKCD protein (p.Ser631Arg).